The following is an entry in ClinVar:

NM_001723.7(DST):c.6128A>G (p.Glu2043Gly)

Gene: DST (dystonin; minus strand). Cytogenetic location: 6p12.1.
Variant type: single nucleotide variant.
Coding change: c.6128A>G on transcript NM_001723.7 (MANE Plus Clinical); coding-DNA position 6128, A replaced by G.
Protein change: p.Glu2043Gly; replaces glutamic acid 2043 with glycine.
Molecular consequence: missense variant. On other transcripts: intron variant (10).
Genome position (GRCh38, 1-based): chr6:56,617,339, T>C on the plus strand (A>G on the coding strand, the complement: DST is on the minus strand). VCF-style: chr6-56617339-T-C. GRCh37 (hg19) VCF-style: chr6-56482137-T-C.
Other names: c.4831-2855A>G (NM_001144769.5); c.4930-2855A>G (NM_001374722.1, NM_001374736.1); c.4957-2855A>G (NM_001374734.1); c.4417-2855A>G (NM_001144770.2); c.4297-2855A>G (NM_001374730.1, NM_001386100.1, NM_183380.4 and 1 more transcripts); c.3319-2855A>G (NM_015548.5); short protein forms E2043G.
Identifiers: ClinVar variation 579542 (VCV000579542.6), dbSNP rs1563219086, ClinGen allele CA364565817.
Genomic context (GRCh38, chr6:56,617,339, plus strand): 5'-TTAAGGAAATCCCCTTTCTTGAGTCCACCAGATGCTCTGCACCCTTCAAGCATCCATTCT[T>C]CAGCACTGGGAACTGGGTTCTTTTCTTGTTTTAATGTTGTGACTTCTGTATGCATATCAT-3'
Protein context (NP_001714.1, residues 2033-2053): KQEKNPVPSA[Glu2043Gly]EWMLEGCRAS

ClinVar aggregate classification (germline): Uncertain significance (1 of 4 stars; one submission).

Conditions:
Epidermolysis bullosa simplex 3, localized or generalized intermediate, with BP230 deficiency (EBS3). Also called: Epidermolysis bullosa simplex, autosomal recessive 2; Epidermolysis bullosa simplex due to BP230 deficiency. Identifiers: Orphanet 412181, MedGen C3809470, MONDO:0014180, OMIM 615425.
Hereditary sensory and autonomic neuropathy type 6. Also called: HSAN VI; Neuropathy, hereditary sensory and autonomic, type VI. Identifiers: Orphanet 314381, MedGen C3539003, MONDO:0013839, OMIM 614653.

Allele frequency attached by ClinVar (database versions not stated): gnomAD exomes below 0.00001; TOPMed 0.00002; gnomAD 0.00003.
gnomAD v4.1: 6 of 1,613,996 alleles (0.00037%); highest among the groups gnomAD compares: Non-Finnish European, 0.00051%; no homozygotes.

Submission:

Labcorp Genetics (formerly Invitae), Labcorp
Classification: Uncertain significance for Epidermolysis bullosa simplex 3, localized or generalized intermediate, with BP230 deficiency; Hereditary sensory and autonomic neuropathy type 6. Last evaluated: 2021-08-24. Review status: criteria provided, single submitter. Criteria: Invitae Variant Classification Sherloc (09022015). Collection method: clinical testing. Allele origin: germline.
Comment: This sequence change replaces glutamic acid with glycine at codon 2043 of the DST protein (p.Glu2043Gly). The glutamic acid residue is weakly conserved and there is a moderate physicochemical difference between glutamic acid and glycine. This variant is not present in population databases (ExAC no frequency). This variant has not been reported in the literature in individuals affected with DST-related conditions. Algorithms developed to predict the effect of missense changes on protein structure and function (SIFT, PolyPhen-2, Align-GVGD) all suggest that this variant is likely to be tolerated. In summary, the available evidence is currently insufficient to determine the role of this variant in disease. Therefore, it has been classified as a Variant of Uncertain Significance.